The following is an entry in ClinVar:

NM_005859.5(PURA):c.944G>T (p.Gly315Val)

Gene: PURA (purine rich element binding protein A; plus strand). Cytogenetic location: 5q31.3.
Variant type: single nucleotide variant.
Coding change: c.944G>T on transcript NM_005859.5 (MANE Select); coding-DNA position 944, G replaced by T.
Protein change: p.Gly315Val; replaces glycine 315 with valine.
Molecular consequence: missense variant.
Genome position (GRCh38, 1-based): chr5:140,115,125, G>T. VCF-style: chr5-140115125-G-T. GRCh37 (hg19) VCF-style: chr5-139494710-G-T.
Other names: short protein forms G315V.
Identifiers: ClinVar variation 3679875 (VCV003679875.2).

ClinVar aggregate classification (germline): Uncertain significance (1 of 4 stars; one submission).

Conditions:
PURA-related severe neonatal hypotonia-seizures-encephalopathy syndrome (NEDRIHF). Also called: PURA-Related Neurodevelopmental Disorders; NEURODEVELOPMENTAL DISORDER WITH NEONATAL RESPIRATORY INSUFFICIENCY, HYPOTONIA, AND FEEDING DIFFICULTIES. Identifiers: Orphanet 438213, Orphanet 438216, MedGen C4015357, MONDO:1060108, OMIM 616158, MONDO:0018580.

Submission:

Labcorp Genetics (formerly Invitae), Labcorp
Classification: Uncertain significance for PURA-related severe neonatal hypotonia-seizures-encephalopathy syndrome. Last evaluated: 2024-03-26. Review status: criteria provided, single submitter. Criteria: Invitae Variant Classification Sherloc (09022015). Collection method: clinical testing. Allele origin: germline.
Comment: This sequence change replaces glycine, which is neutral and non-polar, with valine, which is neutral and non-polar, at codon 315 of the PURA protein (p.Gly315Val). This variant is present in population databases (no rsID available, gnomAD 0.008%). This variant has not been reported in the literature in individuals affected with PURA-related conditions. Experimental studies and prediction algorithms are not available or were not evaluated, and the functional significance of this variant is currently unknown. In summary, the available evidence is currently insufficient to determine the role of this variant in disease. Therefore, it has been classified as a Variant of Uncertain Significance.